The following is an entry in ClinVar:

ClinVar aggregate classification (germline): Uncertain significance. Review status: criteria provided, multiple submitters, no conflicts (2 of 4 stars). 2 submissions from 2 submitters: Uncertain significance (2). Last evaluated 2025-07-15.

Conditions:
Febrile seizures, familial, 11 (FEB11). Also called: CONVULSIONS, FAMILIAL FEBRILE, 11. Identifiers: MedGen C3280734, MONDO:0024566, OMIM 614418.

Allele frequency attached by ClinVar (database versions not stated): ExAC 0.00002; gnomAD 0.00002; gnomAD exomes 0.00002 and 0.00005; TOPMed 0.00002.
gnomAD v4.1: 68 of 1,610,554 alleles (0.0042%); highest among the groups gnomAD compares: Non-Finnish European, 0.0055%; no homozygotes.

Submissions (2):

Ambry Genetics
Classification: Uncertain significance. Last evaluated: 2025-07-15. Review status: criteria provided, single submitter. Criteria: Ambry Variant Classification Scheme 2023. Collection method: clinical testing. Allele origin: germline.

Labcorp Genetics (formerly Invitae), Labcorp
Classification: Uncertain significance for Febrile seizures, familial, 11. Last evaluated: 2020-11-16. Review status: criteria provided, single submitter. Criteria: Invitae Variant Classification Sherloc (09022015). Collection method: clinical testing. Allele origin: germline.
Comment: This sequence change replaces glycine with arginine at codon 133 of the CPA6 protein (p.Gly133Arg). The glycine residue is weakly conserved and there is a moderate physicochemical difference between glycine and arginine. In summary, the available evidence is currently insufficient to determine the role of this variant in disease. Therefore, it has been classified as a Variant of Uncertain Significance. Algorithms developed to predict the effect of missense changes on protein structure and function (SIFT, PolyPhen-2, Align-GVGD) all suggest that this variant is likely to be tolerated, but these predictions have not been confirmed by published functional studies and their clinical significance is uncertain. This variant has not been reported in the literature in individuals with CPA6-related conditions. ClinVar contains an entry for this variant (Variation ID: 855175). This variant is present in population databases (rs746521547, ExAC 0.003%).

NM_020361.5(CPA6):c.397G>C (p.Gly133Arg)

Gene: CPA6 (carboxypeptidase A6; minus strand). Cytogenetic location: 8q13.2.
Variant type: single nucleotide variant.
Coding change: c.397G>C on transcript NM_020361.5 (MANE Select); coding-DNA position 397, G replaced by C.
Protein change: p.Gly133Arg; replaces glycine 133 with arginine.
Molecular consequence: missense variant.
Genome position (GRCh38, 1-based): chr8:67,511,576, C>G on the plus strand (G>C on the coding strand, the complement: CPA6 is on the minus strand). VCF-style: chr8-67511576-C-G. GRCh37 (hg19) VCF-style: chr8-68423811-C-G.
Other names: short protein forms G133R.
Identifiers: ClinVar variation 855175 (VCV000855175.9), dbSNP rs746521547, ClinGen allele CA4772991.